The following is an entry in ClinVar:

ClinVar aggregate classification (germline): Pathogenic/Likely pathogenic. Review status: criteria provided, multiple submitters, no conflicts (2 of 4 stars). 6 submissions from 6 submitters: Pathogenic (5); Likely pathogenic (1). Last evaluated 2026-04-03.

Conditions:
CEP290-related ciliopathy. Also called: CEP290 ciliopathy. Identifiers: MedGen CN305601, MONDO:0100451.
CEP290-related disorder. Also called: CEP290-related disorders; CEP290-related condition. Identifiers: MedGen CN239314.
Nephronophthisis. Also called: Juvenile Nephronophthisis. Identifiers: Orphanet 655, MedGen C0687120, MONDO:0019005, HP:0000090.
Meckel-Gruber syndrome. Also called: Dysencephalia splachnocystica; DYSENCEPHALIA SPLANCHNOCYSTICA; GRUBER SYNDROME. Identifiers: Orphanet 564, MedGen C0265215, MONDO:0018921.
Joubert syndrome. Also called: JOUBERT-BOLTSHAUSER SYNDROME; Familial aplasia of the vermis. Identifiers: Orphanet 475, MedGen C5979921, MONDO:0018772.
Leber congenital amaurosis (LCA). Also called: Leber's amaurosis. Identifiers: Orphanet 65, MedGen C0339527, MeSH D057130, MONDO:0018998.

Allele frequency attached by ClinVar (database versions not stated): gnomAD exomes below 0.00001; TOPMed below 0.00001; gnomAD 0.00001.
gnomAD v4.1: 2 of 1,600,602 alleles (0.00012%); highest among the groups gnomAD compares: Non-Finnish European, 0.00017%; no homozygotes.

Submissions (6):

PreventionGenetics, part of Exact Sciences
Classification: Pathogenic for CEP290-related condition. Last evaluated: 2026-04-03. Review status: criteria provided, single submitter. Criteria: ACMG Guidelines, 2015. Collection method: clinical testing. Allele origin: germline.
Comment: The CEP290 c.3922C>T variant is predicted to result in premature protein termination (p.Gln1308*). This variant was reported to be causative for Leber congenital amaurosis (Perrault et al. 2007. PubMed ID: 17345604). This variant has not been reported in a large population database (gnomAD), indicating this variant is rare. Nonsense variants in CEP290 are expected to be pathogenic. This variant is interpreted as pathogenic.

Natera, Inc.
Classification: Pathogenic for Leber congenital amaurosis. Last evaluated: 2025-10-27. Review status: criteria provided, single submitter. Criteria: Natera Variant Classification Schema (03/2026). Collection method: clinical testing. Allele origin: germline.
Comment: The c.3922C>T variant in CEP290 is a nonsense variant predicted to introduce a stop codon at amino acid 1308. This variant is expected to result in nonsense mediated decay, truncation, or a dysfunctional protein product. This variant is rare in the general population with a frequency below the threshold expected for the associated phenotype(s). This variant has been observed in one or more individuals affected with the associated recessive disease, as either homozygous or compound heterozygous with a second variant (PMID: 17345604). Given the available evidence, this variant is classified as Pathogenic.

Labcorp Genetics (formerly Invitae), Labcorp
Classification: Pathogenic for Joubert syndrome; Meckel-Gruber syndrome; Nephronophthisis. Last evaluated: 2025-08-29. Review status: criteria provided, single submitter. Criteria: Invitae Variant Classification Sherloc (09022015). Collection method: clinical testing. Allele origin: germline.
Comment: This sequence change creates a premature translational stop signal (p.Gln1308*) in the CEP290 gene. It is expected to result in an absent or disrupted protein product. Loss-of-function variants in CEP290 are known to be pathogenic (PMID: 16909394, 17345604, 20690115). This variant is not present in population databases (gnomAD no frequency). This premature translational stop signal has been observed in individual(s) with Leber congenital amaurosis (PMID: 17345604). ClinVar contains an entry for this variant (Variation ID: 1072859). For these reasons, this variant has been classified as Pathogenic.

Myriad Genetics, Inc.
Classification: Pathogenic for CEP290-related ciliopathy. Last evaluated: 2025-05-02. Review status: criteria provided, single submitter. Criteria: Myriad Autosomal Dominant, Autosomal Recessive and X-Linked Classification Criteria (2023). Collection method: clinical testing. Allele origin: unknown.
Comment: NM_025114.3(CEP290):c.3922C>T(Q1308*) is a nonsense variant classified as pathogenic in the context of CEP290-related disorders. Q1308* has been observed in a case with relevant disease (PMID: 17345604). Relevant functional assessments of this variant are not available in the literature. Q1308* has not been observed in referenced population frequency databases. In summary, NM_025114.3(CEP290):c.3922C>T(Q1308*) is a nonsense variant in a gene where loss of function is a known mechanism of disease, is predicted to disrupt protein function, and has been observed more frequently in cases with the relevant disease than in healthy populations. Please note: this variant was assessed in the context of healthy population screening.

GeneDx
Classification: Pathogenic. Last evaluated: 2024-01-19. Review status: criteria provided, single submitter. Criteria: GeneDx Variant Classification Process June 2021. Collection method: clinical testing. Allele origin: germline. Affected: yes.
Comment: Identified with another CEP290 pathogenic variant in an individual with Leber congenital amaurosis (PMID: 17345604); Not observed at significant frequency in large population cohorts (gnomAD); Nonsense variant predicted to result in protein truncation or nonsense mediated decay in a gene for which loss of function is a known mechanism of disease; This variant is associated with the following publications: (PMID: 17705300, 25525159, 17345604)

Blueprint Genetics
Classification: Likely pathogenic for CEP290-related disorders. Last evaluated: 2019-02-12. Review status: criteria provided, single submitter. Criteria: ACMG Guidelines, 2015. Collection method: clinical testing. Allele origin: germline. Affected: yes. Observed: 1 variant allele.

Literature cited by the submitters: PubMed 17345604 (cited by 3 submitters); PubMed 16909394 (cited by Labcorp Genetics (formerly Invitae), Labcorp); PubMed 20690115 (cited by Labcorp Genetics (formerly Invitae), Labcorp).

NM_025114.4(CEP290):c.3922C>T (p.Gln1308Ter)

Gene: CEP290 (centrosomal protein 290; minus strand). Cytogenetic location: 12q21.32.
Variant type: single nucleotide variant.
Coding change: c.3922C>T on transcript NM_025114.4 (MANE Select); coding-DNA position 3922, C replaced by T.
Protein change: p.Gln1308Ter; replaces glutamine 1308 with a stop codon.
Molecular consequence: nonsense.
Genome position (GRCh38, 1-based): chr12:88,089,139, G>A on the plus strand (C>T on the coding strand, the complement: CEP290 is on the minus strand). VCF-style: chr12-88089139-G-A. GRCh37 (hg19) VCF-style: chr12-88482916-G-A.
Other names: c.3922C>T (NM_025114.3); short protein forms Q1308*.
Identifiers: ClinVar variation 1072859 (VCV001072859.16), dbSNP rs1417251616, ClinGen allele CA386000405.